The following is an entry in ClinVar:

NM_001378120.1(MBD5):c.992A>G (p.Lys331Arg)

Gene: MBD5 (methyl-CpG binding domain protein 5; plus strand). Cytogenetic location: 2q23.1.
Variant type: single nucleotide variant.
Coding change: c.992A>G on transcript NM_001378120.1 (MANE Select); coding-DNA position 992, A replaced by G.
Protein change: p.Lys331Arg; replaces lysine 331 with arginine.
Molecular consequence: missense variant.
Genome position (GRCh38, 1-based): chr2:148,468,935, A>G. VCF-style: chr2-148468935-A-G. GRCh37 (hg19) VCF-style: chr2-149226504-A-G.
Other names: c.992A>G, p.Lys331Arg (NM_001438854.1, NM_001438855.1, NM_001438856.1 and 7 more transcripts); short protein forms K331R.
Identifiers: ClinVar variation 4777430 (VCV004777430.1).
Genomic context (GRCh38, chr2:148,468,935, plus strand): 5'-AAAAACCAATGTGTAATTTTTCAACTAATATGGAAATACCACGAGCAATGTTCCACCACA[A>G]ACCACCCCAAGGCCCACCTCCCCCTCCTCCACCTTCTTGTGCTCTTCAGAAAAAGCCATT-3'
Protein context (NP_001365049.1, residues 321-341): MEIPRAMFHH[Lys331Arg]PPQGPPPPPP

ClinVar aggregate classification (germline): Uncertain significance (1 of 4 stars; one submission).

Conditions:
Intellectual developmental disorder, autosomal dominant 1. Also called: MBD5 Haploinsufficiency; Intellectual disability, autosomal dominant 1. Identifiers: Orphanet 228402, MedGen C1969562, MONDO:0007974, OMIM 156200.

Submission:

Labcorp Genetics (formerly Invitae), Labcorp
Classification: Uncertain significance for Intellectual developmental disorder, autosomal dominant 1. Last evaluated: 2025-11-25. Review status: criteria provided, single submitter. Criteria: Invitae Variant Classification Sherloc (09022015). Collection method: clinical testing. Allele origin: germline.
Comment: This sequence change replaces lysine, which is basic and polar, with arginine, which is basic and polar, at codon 331 of the MBD5 protein (p.Lys331Arg). This variant is not present in population databases (gnomAD no frequency). This variant has not been reported in the literature in individuals affected with MBD5-related conditions. Invitae Evidence Modeling of protein sequence and biophysical properties (such as structural, functional, and spatial information, amino acid conservation, physicochemical variation, residue mobility, and thermodynamic stability) indicates that this missense variant is not expected to disrupt MBD5 protein function with a negative predictive value of 80%. In summary, the available evidence is currently insufficient to determine the role of this variant in disease. Therefore, it has been classified as a Variant of Uncertain Significance.